The following is an entry in ClinVar:

NM_138792.4(LEO1):c.1705T>C (p.Tyr569His)

Gene: LEO1 (LEO1 component of Paf1/RNA polymerase II complex; minus strand). Cytogenetic location: 15q21.2.
Variant type: single nucleotide variant.
Coding change: c.1705T>C on transcript NM_138792.4 (MANE Select); coding-DNA position 1705, T replaced by C.
Protein change: p.Tyr569His; replaces tyrosine 569 with histidine.
Molecular consequence: missense variant.
Genome position (GRCh38, 1-based): chr15:51,949,901, A>G on the plus strand (T>C on the coding strand, the complement: LEO1 is on the minus strand). VCF-style: chr15-51949901-A-G. GRCh37 (hg19) VCF-style: chr15-52242098-A-G.
Other names: c.1525T>C, p.Tyr509His (NM_001286430.2); c.1705T>C, p.Tyr569His (NM_001323903.2, NM_001323904.2, NM_001426597.1 and 1 more transcripts); short protein forms Y509H, Y569H.
Identifiers: ClinVar variation 5037559 (VCV005037559.1).
Genomic context (GRCh38, chr15:51,949,901, plus strand): 5'-CAGCCAAGCTGATGGACTCCTCGCCTTCCTCCTCCTCATCGTATCGATCAGGTTCCAGGT[A>G]ACTGGCGCTCAGCCCCCGCTGGTGCTGTTTCTCTCTCATTCGGCGCTGCTGAGATTCCCT-3'
Protein context (NP_620147.1, residues 559-579): KQHQRGLSAS[Tyr569His]LEPDRYDEEE

ClinVar aggregate classification (germline): Uncertain significance (1 of 4 stars; one submission).

Submission:

GeneDx
Classification: Uncertain significance. Last evaluated: 2026-04-22. Review status: criteria provided, single submitter. Criteria: GeneDx Variant Classification Process June 2021. Collection method: clinical testing. Allele origin: germline.
Comment: Not observed at significant frequency in large population cohorts (gnomAD); In silico analysis supports that this missense variant has a deleterious effect on protein structure/function; Has not been previously published as pathogenic or benign to our knowledge